The following is an entry in ClinVar:

ClinVar aggregate classification (germline): Uncertain significance (1 of 4 stars; one submission).

Conditions:
Generalized epilepsy-paroxysmal dyskinesia syndrome (PNKD3). Also called: Generalized epilepsy and paroxysmal dyskinesia; Paroxysmal nonkinesigenic dyskinesia, 3, with or without generalized epilepsy. Identifiers: Orphanet 79137, MedGen C5574945, MONDO:0012276, OMIM 609446.

Submission:

Labcorp Genetics (formerly Invitae), Labcorp
Classification: Uncertain significance for Generalized epilepsy-paroxysmal dyskinesia syndrome. Last evaluated: 2024-09-03. Review status: criteria provided, single submitter. Criteria: Invitae Variant Classification Sherloc (09022015). Collection method: clinical testing. Allele origin: germline.
Comment: This variant, c.25_33del, results in the deletion of 3 amino acid(s) of the KCNMA1 protein (p.Gly9_Ser11del), but otherwise preserves the integrity of the reading frame. This variant is not present in population databases (gnomAD no frequency). This variant has not been reported in the literature in individuals affected with KCNMA1-related conditions. Experimental studies and prediction algorithms are not available or were not evaluated, and the functional significance of this variant is currently unknown. In summary, the available evidence is currently insufficient to determine the role of this variant in disease. Therefore, it has been classified as a Variant of Uncertain Significance.

NM_001161352.2(KCNMA1):c.25_33del (p.Gly9_Ser11del)

Gene: KCNMA1 (potassium calcium-activated channel subfamily M alpha 1; minus strand). Cytogenetic location: 10q22.3.
Variant type: Deletion.
Coding change: c.25_33del on transcript NM_001161352.2 (MANE Select); coding-DNA positions 25 to 33, 9 bases deleted (GGCGGCAGC; older notation c.25_33delGGCGGCAGC).
Protein change: p.Gly9_Ser11del.
Genome position (GRCh38, 1-based): chr10:77,637,610-77,637,618, GCTGCCGCC deleted on the plus strand (GGCGGCAGC on the coding strand, the reverse complement: KCNMA1 is on the minus strand); deleting any 9 consecutive bases within chr10:77,637,610-77,637,620 gives the same sequence; the c. name uses the placement nearest the transcript's 3' end. VCF-style (leftmost placement, unchanged base first): chr10-77637609-TGCTGCCGCC-T. GRCh37 (hg19) VCF-style: chr10-79397367-TGCTGCCGCC-T.
Other names: c.25_33del, p.Gly9_Ser11del (NM_001014797.3, NM_001161353.2, NM_001271518.2 and 13 more transcripts).
Identifiers: ClinVar variation 3663487 (VCV003663487.2).
Genomic context (GRCh38, chr10:77,637,609, plus strand): 5'-TCGCGTGGATATTGCTACTCATTCTAAGACTGCTGCCTCCGCCGCCGCCGCCGCCGCCGC[TGCTGCCGCC>T]GCCGCCGCCGCCACCATTTGCCATAGCTAGCAACGGGCAGCCGGCGCAGGGGCTCGGGGG-3'